The following is an entry in ClinVar:

ClinVar aggregate classification (germline): Pathogenic/Likely pathogenic. Review status: criteria provided, multiple submitters, no conflicts (2 of 4 stars). 2 submissions from 2 submitters: Pathogenic (1); Likely pathogenic (1). Last evaluated 2024-04-29.

Conditions:
X-linked Alport syndrome (ATS1). Also called: NEPHROPATHY AND DEAFNESS, X-LINKED; COL4A5-Related Nephropathy. Identifiers: Orphanet 63, Orphanet 88917, MedGen C4746986, MONDO:0010520, OMIM 301050.

Submissions (2):

Fulgent Genetics
Classification: Likely pathogenic for X-linked Alport syndrome. Last evaluated: 2024-04-29. Review status: criteria provided, single submitter. Criteria: ACMG Guidelines, 2015. Collection method: clinical testing. Allele origin: germline.

Labcorp Genetics (formerly Invitae), Labcorp
Classification: Pathogenic. Last evaluated: 2024-04-26. Review status: criteria provided, single submitter. Criteria: Invitae Variant Classification Sherloc (09022015). Collection method: clinical testing. Allele origin: germline.
Comment: This sequence change creates a premature translational stop signal (p.Ser1610*) in the COL4A5 gene. It is expected to result in an absent or disrupted protein product. Loss-of-function variants in COL4A5 are known to be pathogenic (PMID: 9195222, 10752524, 14514738, 24854265, 26809805). This variant is not present in population databases (gnomAD no frequency). This variant has not been reported in the literature in individuals affected with COL4A5-related conditions. ClinVar contains an entry for this variant (Variation ID: 854603). Algorithms developed to predict the effect of sequence changes on RNA splicing suggest that this variant may disrupt the consensus splice site. For these reasons, this variant has been classified as Pathogenic.

Literature cited by the submitters: PubMed 9195222 (cited by Labcorp Genetics (formerly Invitae), Labcorp); PubMed 10752524 (cited by Labcorp Genetics (formerly Invitae), Labcorp); PubMed 14514738 (cited by Labcorp Genetics (formerly Invitae), Labcorp); PubMed 24854265 (cited by Labcorp Genetics (formerly Invitae), Labcorp); PubMed 26809805 (cited by Labcorp Genetics (formerly Invitae), Labcorp).

NM_033380.3(COL4A5):c.4847C>A (p.Ser1616Ter)

Gene: COL4A5 (collagen type IV alpha 5 chain; plus strand). Cytogenetic location: Xq22.3.
Variant type: single nucleotide variant.
Coding change: c.4847C>A on transcript NM_033380.3 (MANE Select); coding-DNA position 4847, C replaced by A.
Protein change: p.Ser1616Ter; replaces serine 1616 with a stop codon.
Molecular consequence: nonsense.
Genome position (GRCh38, 1-based): chrX:108,695,292, C>A. VCF-style: chrX-108695292-C-A. GRCh37 (hg19) VCF-style: chrX-107938522-C-A.
Other names: c.4829C>A, p.Ser1610Ter (NM_000495.5); short protein forms S1616*, S1610*.
Identifiers: ClinVar variation 854603 (VCV000854603.8), dbSNP rs750941179, ClinGen allele CA414132693.